The following is an entry in ClinVar:

ClinVar aggregate classification (germline): Conflicting classifications of pathogenicity. Review status: criteria provided, conflicting classifications (1 of 4 stars). 3 submissions from 3 submitters: Pathogenic (1); Likely pathogenic (1); Uncertain significance (1). Last evaluated 2026-04-21.

Conditions:
Hereditary factor VIII deficiency disease (HEMA). Also called: HEMOPHILIA, CLASSIC; AUTOSOMAL HEMOPHILIA A; Hemophilia A; Hemophilia A, congenital; HEM A; Factor 8 deficiency, congenital. Identifiers: Orphanet 98878, MedGen C0019069, MONDO:0010602, OMIM 306700.

gnomAD v4.1: 2 of 1,211,316 alleles (0.00017%); highest among the groups gnomAD compares: Non-Finnish European, 0.00022%; no homozygotes.

Submissions (3):

Women's Health and Genetics/Laboratory Corporation of America, LabCorp
Classification: Likely pathogenic for Hereditary factor VIII deficiency disease. Last evaluated: 2026-04-21. Review status: criteria provided, single submitter. Criteria: LabCorp Variant Classification Summary - May 2015. Collection method: clinical testing. Allele origin: germline.
Comment: Variant summary: F8 c.2150G>T (p.Arg717Leu) results in a non-conservative amino acid change in the encoded protein sequence. Algorithms developed to predict the effect of missense changes on protein structure and function all suggest that this variant is likely to be disruptive. The variant was absent in 181547 control chromosomes (gnomAD). c.2150G>T has been observed in individuals affected with mild Factor VIII Deficiency (Hemophilia A)(e.g. Rudzki_1996, Boekhorst_2005, Oomen_2024). These data indicate that the variant may be associated with disease. Other variants affecting the same codon has been classified as pathogenic by our lab (c.2149C>T, p.Arg717Trp; c.2150G>A, p.Arg717Gln), supporting the critical relevance of codon 717 to F8 protein function. To our knowledge, no experimental evidence demonstrating an impact on protein function has been reported. The following publications have been ascertained in the context of this evaluation (PMID: 8759905, 16173970, 38455035). ClinVar contains an entry for this variant (Variation ID: 1677257). Based on the evidence outlined above, the variant was classified as likely pathogenic.

Genetics and Molecular Pathology, SA Pathology
Classification: Uncertain significance for Hereditary factor VIII deficiency disease. Last evaluated: 2023-04-14. Review status: criteria provided, single submitter. Criteria: ACMG Guidelines, 2015. Collection method: clinical testing. Allele origin: germline. Inheritance: X-linked recessive inheritance. Affected: yes.
Comment: The F8 c.2150G>T variant is classified as VUS (PS4_Supp, PM2, PM5-supp, PP3) The F8 c.2150G>T variant is a single nucleotide change in exon 14/26 of the F8 gene, which is predicted to change the amino acid arginine at position 717 in the protein to leucine. The variant has been reported in 2 index cases with a clinical presentation of mild haemophilia, one of which demonstrated one-stage/two-stage assay discrepancy (PMID: 8759905, 16173970 (PS4_Supporting). This variant is absent from population databases (PM2). This variant is a missense change at an amino acid residue where a different missense change, c.2149C>T(p.Arg717Trp) and c.2150G>A (p.Arg717Gln), has been seen before (PM5-supp). in silico pathogenicity predicts suggest that the variant has a deleterious effect on the protein (REVEL score 0.874) and it is located in a functional domain (PMID: 19473423, 18299331) PP3. The variant has been reported in the HGMD database: CM960551 and has been reported as Pathogenic by one other diagnostic laboratory (ClinVar Variation ID: 1677257). It has not been reported in dbSNP.

ISTH-SSC Genomics in Thrombosis and Hemostasis, KU Leuven, Center for Molecular and Vascular Biology
Classification: Pathogenic for Hereditary factor VIII deficiency disease. Review status: criteria provided, single submitter. Criteria: ACMG Guidelines, 2015. Collection method: clinical testing. Allele origin: unknown. Affected: yes. Observed: 4 hemizygotes.
Comment: GoldVariant submitter: Dr Karyn Mégy NIHR Bioresource - Cambridge University, UK

Literature cited by the submitters: PubMed 16173970 (cited by Women's Health and Genetics/Laboratory Corporation of America, LabCorp and Genetics and Molecular Pathology, SA Pathology); PubMed 38455035 (cited by Women's Health and Genetics/Laboratory Corporation of America, LabCorp); PubMed 8759905 (cited by Women's Health and Genetics/Laboratory Corporation of America, LabCorp and Genetics and Molecular Pathology, SA Pathology); PubMed 18299331 (cited by Genetics and Molecular Pathology, SA Pathology); PubMed 19473423 (cited by Genetics and Molecular Pathology, SA Pathology); PubMed 34355501 (cited by ISTH-SSC Genomics in Thrombosis and Hemostasis, KU Leuven, Center for Molecular and Vascular Biology).

NM_000132.4(F8):c.2150G>T (p.Arg717Leu)

Gene: F8 (coagulation factor VIII; minus strand). Cytogenetic location: Xq28.
Variant type: single nucleotide variant.
Coding change: c.2150G>T on transcript NM_000132.4 (MANE Select); coding-DNA position 2150, G replaced by T.
Protein change: p.Arg717Leu; replaces arginine 717 with leucine.
Molecular consequence: missense variant.
Genome position (GRCh38, 1-based): chrX:154,931,640, C>A on the plus strand (G>T on the coding strand, the complement: F8 is on the minus strand). VCF-style: chrX-154931640-C-A. GRCh37 (hg19) VCF-style: chrX-154159915-C-A.
Other names: short protein forms R717L.
Identifiers: ClinVar variation 1677257 (VCV001677257.2), dbSNP rs942909873, ClinGen allele CA414903862.